The following is an entry in ClinVar:

ClinVar aggregate classification (germline): Uncertain significance. Review status: criteria provided, multiple submitters, no conflicts (2 of 4 stars). 3 submissions from 3 submitters: Uncertain significance (3). Last evaluated 2025-10-23.

Conditions:
Inborn genetic diseases. Identifiers: MedGen C0950123, MeSH D030342.
Familial cold autoinflammatory syndrome 2 (FCAS2). Identifiers: Orphanet 247868, MedGen C2673198, MONDO:0012724, OMIM 611762.

Allele frequency attached by ClinVar (database versions not stated): gnomAD exomes 0.00001; ExAC 0.00002; gnomAD 0.00002; TOPMed 0.00003; ESP Exome Variant Server 0.00008.
gnomAD v4.1: 19 of 1,613,452 alleles (0.0012%); highest among the groups gnomAD compares: Non-Finnish European, 0.0015%; no homozygotes.

Submissions (3):

Labcorp Genetics (formerly Invitae), Labcorp
Classification: Uncertain significance for Familial cold autoinflammatory syndrome 2. Last evaluated: 2025-10-23. Review status: criteria provided, single submitter. Criteria: Invitae Variant Classification Sherloc (09022015). Collection method: clinical testing. Allele origin: germline.
Comment: This sequence change replaces glutamine, which is neutral and polar, with glutamic acid, which is acidic and polar, at codon 444 of the NLRP12 protein (p.Gln444Glu). This variant is present in population databases (rs371528857, gnomAD 0.002%). This variant has not been reported in the literature in individuals affected with NLRP12-related conditions. ClinVar contains an entry for this variant (Variation ID: 536925). Invitae Evidence Modeling of protein sequence and biophysical properties (such as structural, functional, and spatial information, amino acid conservation, physicochemical variation, residue mobility, and thermodynamic stability) indicates that this missense variant is not expected to disrupt NLRP12 protein function with a negative predictive value of 80%. In summary, the available evidence is currently insufficient to determine the role of this variant in disease. Therefore, it has been classified as a Variant of Uncertain Significance.

Ambry Genetics
Classification: Uncertain significance for Inborn genetic diseases. Last evaluated: 2025-03-27. Review status: criteria provided, single submitter. Criteria: Ambry Variant Classification Scheme 2023. Collection method: clinical testing. Allele origin: germline.

Baylor Genetics
Classification: Uncertain significance for Familial cold autoinflammatory syndrome 2. Last evaluated: 2019-03-14. Review status: criteria provided, single submitter. Criteria: ACMG Guidelines, 2015. Collection method: clinical testing. Allele origin: maternal. Affected: yes.
Comment: This variant was determined to be of uncertain significance according to ACMG Guidelines, 2015 [PMID:25741868].

NM_144687.4(NLRP12):c.1330C>G (p.Gln444Glu)

Gene: NLRP12 (NLR family pyrin domain containing 12; minus strand). Cytogenetic location: 19q13.42.
Variant type: single nucleotide variant.
Coding change: c.1330C>G on transcript NM_144687.4 (MANE Select); coding-DNA position 1330, C replaced by G.
Protein change: p.Gln444Glu; replaces glutamine 444 with glutamic acid.
Molecular consequence: missense variant.
Genome position (GRCh38, 1-based): chr19:53,810,329, G>C on the plus strand (C>G on the coding strand, the complement: NLRP12 is on the minus strand). VCF-style: chr19-53810329-G-C. GRCh37 (hg19) VCF-style: chr19-54313583-G-C.
Other names: c.1330C>G, p.Gln444Glu (NM_001277126.2, NM_001277129.1); short protein forms Q444E.
Identifiers: ClinVar variation 536925 (VCV000536925.11), dbSNP rs371528857, ClinGen allele CA9639453.